The following is an entry in ClinVar:

ClinVar aggregate classification (germline): Pathogenic/Likely pathogenic. Review status: criteria provided, multiple submitters, no conflicts (2 of 4 stars). 2 submissions from 2 submitters: Pathogenic (1); Likely pathogenic (1). Last evaluated 2024-09-29.

Conditions:
Carnitine deficiency. Identifiers: MedGen C1142132.
Renal carnitine transport defect (CDSP). Also called: CARNITINE DEFICIENCY, SYSTEMIC, DUE TO DEFECT IN RENAL REABSORPTION OF CARNITINE; CARNITINE TRANSPORTER, PLASMA-MEMBRANE, DEFICIENCY OF; CARNITINE UPTAKE DEFECT; Systemic primary carnitine deficiency disease; Primary carnitine deficiency; Systemic primary carnitine deficiency. Identifiers: Orphanet 158, MedGen C0342788, MONDO:0008919, OMIM 212140.

Submissions (2):

Natera, Inc.
Classification: Likely pathogenic for Carnitine deficiency. Last evaluated: 2024-09-29. Review status: criteria provided, single submitter. Criteria: Natera Variant Classification Schema (03/2026). Collection method: clinical testing. Allele origin: germline.
Comment: The c.782_799del variant in SLC22A5 is an in-frame deletion. This variant is rare in the general population with a frequency below the threshold expected for the associated phenotype(s). This variant has been observed in one or more individuals affected with the associated recessive disease, as either homozygous or compound heterozygous with a second variant (PMID: 35193651, 35095998, 33181153). This variant has been identified in one or more affected individual with a phenotype highly consistent with the associated gene (PMID: 35193651). This variant results in a change to the protein length while preserving reading frame, which may disrupt normal protein structure or function. Given the available evidence, this variant is classified as Likely Pathogenic.

Labcorp Genetics (formerly Invitae), Labcorp
Classification: Pathogenic for Renal carnitine transport defect. Last evaluated: 2024-07-24. Review status: criteria provided, single submitter. Criteria: Invitae Variant Classification Sherloc (09022015). Collection method: clinical testing. Allele origin: germline.
Comment: This variant, c.782_799del, results in the deletion of 6 amino acid(s) of the SLC22A5 protein (p.Val261_Pro266del), but otherwise preserves the integrity of the reading frame. This variant is not present in population databases (gnomAD no frequency). This variant has been observed in individual(s) with primary carnitine deficiency (PMID: 33181153, 35095998). This variant disrupts a region of the SLC22A5 protein in which other variant(s) (p.Thr264Arg) have been determined to be pathogenic (PMID: 20574985, 35281663). This suggests that this is a clinically significant region of the protein, and that variants that disrupt it are likely to be disease-causing. For these reasons, this variant has been classified as Pathogenic.

Literature cited by the submitters: PubMed 35193651 (cited by Natera, Inc.); PubMed 35095998 (cited by Natera, Inc. and Labcorp Genetics (formerly Invitae), Labcorp); PubMed 33181153 (cited by Natera, Inc. and Labcorp Genetics (formerly Invitae), Labcorp); PubMed 20574985 (cited by Labcorp Genetics (formerly Invitae), Labcorp); PubMed 35281663 (cited by Labcorp Genetics (formerly Invitae), Labcorp).

NM_003060.4(SLC22A5):c.782_799del (p.Val261_Pro266del)

Gene: SLC22A5 (solute carrier family 22 member 5; plus strand). Cytogenetic location: 5q31.1.
Variant type: Deletion.
Coding change: c.782_799del on transcript NM_003060.4 (MANE Select); coding-DNA positions 782 to 799, 18 bases deleted (TGGCGCTGACGATGCCGG).
Protein change: p.Val261_Pro266del.
Genome position (GRCh38, 1-based): chr5:132,385,457-132,385,474, TGGCGCTGACGATGCCGG deleted; deleting any 18 consecutive bases within chr5:132,385,455-132,385,474 gives the same sequence; the c. name uses the placement nearest the transcript's 3' end. VCF-style (leftmost placement, unchanged base first): chr5-132385454-TGGTGGCGCTGACGATGCC-T. GRCh37 (hg19) VCF-style: chr5-131721146-TGGTGGCGCTGACGATGCC-T.
Other names: c.782_799del (NM_003060.3); c.854_871del, p.Val285_Pro290del (NM_001308122.2).
Identifiers: ClinVar variation 3677040 (VCV003677040.3).